The following is an entry in ClinVar:

NM_000128.4(F11):c.219-8A>G

Gene: F11 (coagulation factor XI; plus strand). Cytogenetic location: 4q35.2.
Variant type: single nucleotide variant.
Coding change: c.219-8A>G on transcript NM_000128.4 (MANE Select); 8 bases into the intron before coding-DNA position 219, A replaced by G.
Molecular consequence: intron variant.
Genome position (GRCh38, 1-based): chr4:186,273,063, A>G. VCF-style: chr4-186273063-A-G. GRCh37 (hg19) VCF-style: chr4-187194217-A-G.
Other names: c.219-8A>G (NM_001440593.1, NM_001440590.1, NM_001440596.1 and 5 more transcripts).
Identifiers: ClinVar variation 4812919 (VCV004812919.1).

ClinVar aggregate classification (germline): Uncertain significance (1 of 4 stars; one submission).

Submission:

GeneDx
Classification: Uncertain significance. Last evaluated: 2025-08-26. Review status: criteria provided, single submitter. Criteria: GeneDx Variant Classification Process June 2021. Collection method: clinical testing. Allele origin: germline. Affected: yes.
Comment: Not observed at significant frequency in large population cohorts (gnomAD); In silico analysis supports a deleterious effect on splicing; Has not been previously published as pathogenic or benign to our knowledge